The following is an entry in ClinVar:

NM_001382430.1(AKT1):c.853G>T (p.Asp285Tyr)

Gene: AKT1 (AKT serine/threonine kinase 1; minus strand). Cytogenetic location: 14q32.33.
Variant type: single nucleotide variant.
Coding change: c.853G>T on transcript NM_001382430.1 (MANE Select); coding-DNA position 853, G replaced by T.
Protein change: p.Asp285Tyr; replaces aspartic acid 285 with tyrosine.
Molecular consequence: missense variant.
Genome position (GRCh38, 1-based): chr14:104,773,355, C>A on the plus strand (G>T on the coding strand, the complement: AKT1 is on the minus strand). VCF-style: chr14-104773355-C-A. GRCh37 (hg19) VCF-style: chr14-105239692-C-A.
Other names: c.853G>T, p.Asp285Tyr (NM_001014431.2, NM_001014432.2, NM_001382431.1 and 3 more transcripts); short protein forms D285Y.
Identifiers: ClinVar variation 1763786 (VCV001763786.2), dbSNP rs2542126194, ClinGen allele CA391217991.
Genomic context (GRCh38, chr14:104,773,355, plus strand): 5'-TGGCACCGTCCTTGATCCCCTCCTTGCACAGCCCGAAGTCTGTGATCTTAATGTGCCCGT[C>A]CTTGTCCAGCATGAGGTTCTCCAGCTAGGGGAAAGGTGGCCTCAGGTCAGTGCCGCCAGG-3'
Protein context (NP_001369359.1, residues 275-295): LKLENLMLDK[Asp285Tyr]GHIKITDFGL

ClinVar aggregate classification (germline): Uncertain significance (1 of 4 stars; one submission).

Conditions:
Inborn genetic diseases. Identifiers: MedGen C0950123, MeSH D030342.

Submission:

Ambry Genetics
Classification: Uncertain significance for Inborn genetic diseases. Last evaluated: 2021-07-18. Review status: criteria provided, single submitter. Criteria: Ambry Variant Classification Scheme 2023. Collection method: clinical testing. Allele origin: germline.
Comment: The p.D285Y variant (also known as c.853G>T), located in coding exon 9 of the AKT1 gene, results from a G to T substitution at nucleotide position 853. The aspartic acid at codon 285 is replaced by tyrosine, an amino acid with highly dissimilar properties. This amino acid position is conserved. In addition, the in silico prediction for this alteration is inconclusive. Since supporting evidence is limited at this time, the clinical significance of this alteration remains unclear.